The following is an entry in ClinVar:

NM_002471.4(MYH6):c.2495T>G (p.Met832Arg)

Gene: MYH6 (myosin heavy chain 6; minus strand). Cytogenetic location: 14q11.2.
Variant type: single nucleotide variant.
Coding change: c.2495T>G on transcript NM_002471.4 (MANE Select); coding-DNA position 2495, T replaced by G.
Protein change: p.Met832Arg; replaces methionine 832 with arginine.
Molecular consequence: missense variant.
Genome position (GRCh38, 1-based): chr14:23,394,258, A>C on the plus strand (T>G on the coding strand, the complement: MYH6 is on the minus strand). VCF-style: chr14-23394258-A-C. GRCh37 (hg19) VCF-style: chr14-23863467-A-C.
Other names: short protein forms M832R.
Identifiers: ClinVar variation 5025138 (VCV005025138.1).

ClinVar aggregate classification (germline): Uncertain significance (1 of 4 stars; one submission).

Conditions:
Cardiovascular phenotype. Identifiers: MedGen CN230736.

Submission:

Ambry Genetics
Classification: Uncertain significance for Cardiovascular phenotype. Last evaluated: 2026-08-10. Review status: criteria provided, single submitter. Criteria: Ambry Variant Classification Scheme 2023. Collection method: clinical testing. Allele origin: germline.
Comment: The p.M832R variant (also known as c.2495T>G), located in coding exon 19 of the MYH6 gene, results from a T to G substitution at nucleotide position 2495. The methionine at codon 832 is replaced by arginine, an amino acid with similar properties. This amino acid position is conserved. In addition, this alteration is predicted to be deleterious by in silico analysis. Based on the available evidence, the clinical significance of this variant remains unclear.